The following is an entry in ClinVar:

NM_012448.4(STAT5B):c.1454A>G (p.Asp485Gly)

Gene: STAT5B (signal transducer and activator of transcription 5B; minus strand). Cytogenetic location: 17q21.2.
Variant type: single nucleotide variant.
Coding change: c.1454A>G on transcript NM_012448.4 (MANE Select); coding-DNA position 1454, A replaced by G.
Protein change: p.Asp485Gly; replaces aspartic acid 485 with glycine.
Molecular consequence: missense variant.
Genome position (GRCh38, 1-based): chr17:42,216,033, T>C on the plus strand (A>G on the coding strand, the complement: STAT5B is on the minus strand). VCF-style: chr17-42216033-T-C. GRCh37 (hg19) VCF-style: chr17-40368051-T-C.
Other names: short protein forms D485G.
Identifiers: ClinVar variation 2647784 (VCV002647784.24), dbSNP rs2508745185, ClinGen allele CA399580637.

ClinVar aggregate classification (germline): Uncertain significance (1 of 4 stars; one submission).

Submission:

CeGaT Center for Human Genetics Tuebingen
Classification: Uncertain significance. Last evaluated: 2022-03-01. Review status: criteria provided, single submitter. Criteria: CeGaT Center For Human Genetics Tuebingen Variant Classification Criteria Version 2. Collection method: clinical testing. Allele origin: germline. Affected: yes. Observed: 1 variant allele.
Comment: STAT5B: PM2, PP2, PP3